The following is an entry in ClinVar:

ClinVar aggregate classification (germline): Uncertain significance (1 of 4 stars; one submission).

Conditions:
Mitochondrial complex V (ATP synthase) deficiency, nuclear type 2. Also called: ENCEPHALOCARDIOMYOPATHY, MITOCHONDRIAL, NEONATAL, DUE TO ATP SYNTHASE DEFICIENCY; Nuclear-Encoded ATPase Deficiency, TMEM70-Related; MITOCHONDRIAL COMPLEX V (ATP SYNTHASE) DEFICIENCY, TMEM70 TYPE. Identifiers: Orphanet 1194, MedGen C3279699, MONDO:0013546, OMIM 614052.

Submission:

Labcorp Genetics (formerly Invitae), Labcorp
Classification: Uncertain significance for Mitochondrial complex V (ATP synthase) deficiency, nuclear type 2. Last evaluated: 2022-02-20. Review status: criteria provided, single submitter. Criteria: Invitae Variant Classification Sherloc (09022015). Collection method: clinical testing. Allele origin: germline.
Comment: In summary, the available evidence is currently insufficient to determine the role of this variant in disease. Therefore, it has been classified as a Variant of Uncertain Significance. Algorithms developed to predict the effect of missense changes on protein structure and function (SIFT, PolyPhen-2, Align-GVGD) all suggest that this variant is likely to be tolerated. This variant has not been reported in the literature in individuals affected with TMEM70-related conditions. This variant is not present in population databases (gnomAD no frequency). This sequence change replaces phenylalanine, which is neutral and non-polar, with leucine, which is neutral and non-polar, at codon 105 of the TMEM70 protein (p.Phe105Leu).

NM_017866.6(TMEM70):c.315T>G (p.Phe105Leu)

Gene: TMEM70 (transmembrane protein 70; plus strand). Cytogenetic location: 8q21.11.
Variant type: single nucleotide variant.
Coding change: c.315T>G on transcript NM_017866.6 (MANE Select); coding-DNA position 315, T replaced by G.
Protein change: p.Phe105Leu; replaces phenylalanine 105 with leucine.
Molecular consequence: missense variant. On other transcripts: non-coding transcript variant (1).
Genome position (GRCh38, 1-based): chr8:73,978,860, T>G. VCF-style: chr8-73978860-T-G. GRCh37 (hg19) VCF-style: chr8-74891095-T-G.
Other names: c.315T>G, p.Phe105Leu (NM_001040613.3); short protein forms F105L.
Identifiers: ClinVar variation 2094923 (VCV002094923.4), dbSNP rs753270822, ClinGen allele CA371489702.